The following is an entry in ClinVar:

NM_000057.4(BLM):c.3069del (p.Leu1023fs)

Gene: BLM (BLM RecQ like helicase; plus strand). Cytogenetic location: 15q26.1.
Variant type: Deletion.
Coding change: c.3069del on transcript NM_000057.4 (MANE Select); coding-DNA position 3069, one base deleted (G; older notation c.3069delG).
Protein change: p.Leu1023fs; shifts the reading frame from leucine 1023.
Molecular consequence: frameshift variant.
Genome position (GRCh38, 1-based): chr15:90,794,216, G deleted. VCF-style (leftmost placement, unchanged base first): chr15-90794215-TG-T. GRCh37 (hg19) VCF-style: chr15-91337445-TG-T.
Other names: c.3069del, p.Leu1023fs (NM_001287246.2, NM_001287247.2); c.1944del, p.Leu648fs (NM_001287248.2); short protein forms L1023fs, L648fs.
Identifiers: ClinVar variation 2113591 (VCV002113591.4), dbSNP rs2505524806, ClinGen allele CA2580090293.

ClinVar aggregate classification (germline): Pathogenic (1 of 4 stars; one submission).

Conditions:
Bloom syndrome (BLM). Also called: Bloom-Torre-Machacek syndrome. Identifiers: Orphanet 125, MedGen C0005859, MONDO:0008876, OMIM 210900.

Allele frequency attached by ClinVar (database versions not stated): gnomAD exomes below 0.00001.

Submission:

Labcorp Genetics (formerly Invitae), Labcorp
Classification: Pathogenic for Bloom syndrome. Last evaluated: 2022-03-18. Review status: criteria provided, single submitter. Criteria: Invitae Variant Classification Sherloc (09022015). Collection method: clinical testing. Allele origin: germline.
Comment: For these reasons, this variant has been classified as Pathogenic. This variant has not been reported in the literature in individuals affected with BLM-related conditions. This variant is not present in population databases (gnomAD no frequency). This sequence change creates a premature translational stop signal (p.Leu1023Phefs*11) in the BLM gene. It is expected to result in an absent or disrupted protein product. Loss-of-function variants in BLM are known to be pathogenic (PMID: 17407155).

Literature cited by the submitters: PubMed 17407155.